The following is an entry in ClinVar:

ClinVar aggregate classification (germline): Likely benign. Review status: criteria provided, multiple submitters, no conflicts (2 of 4 stars). 2 submissions from 2 submitters: Likely benign (2). Last evaluated 2024-09-25.

Conditions:
Familial melanoma. Also called: Hereditary melanoma; Hereditary cutaneous melanoma. Identifiers: Orphanet 618, MedGen C1512419, MONDO:0018961.
Melanoma, cutaneous malignant, susceptibility to, 3. Also called: Cutaneous malignant melanoma 3. Identifiers: Orphanet 618, MedGen C1836892, MONDO:0012183, OMIM 609048.

Allele frequency attached by ClinVar (database versions not stated): gnomAD exomes below 0.00001.
gnomAD v4.1: 2 of 1,614,120 alleles (0.00012%); highest among the groups gnomAD compares: Admixed American, 0.0033%; no homozygotes.

Submissions (2):

Myriad Genetics, Inc.
Classification: Likely benign for Melanoma, cutaneous malignant, susceptibility to, 3. Last evaluated: 2024-09-25. Review status: criteria provided, single submitter. Criteria: Myriad Autosomal Dominant, Autosomal Recessive and X-Linked Classification Criteria (2023). Collection method: clinical testing. Allele origin: unknown.
Comment: This variant is considered likely benign. This variant is intronic and is not expected to impact mRNA splicing.

Labcorp Genetics (formerly Invitae), Labcorp
Classification: Likely benign for Familial melanoma. Last evaluated: 2023-05-12. Review status: criteria provided, single submitter. Criteria: Invitae Variant Classification Sherloc (09022015). Collection method: clinical testing. Allele origin: germline.

NM_000075.4(CDK4):c.355-7A>C

Gene: CDK4 (cyclin dependent kinase 4; minus strand). Cytogenetic location: 12q14.1.
Variant type: single nucleotide variant.
Coding change: c.355-7A>C on transcript NM_000075.4 (MANE Select); 7 bases into the intron before coding-DNA position 355, A replaced by C.
Molecular consequence: intron variant.
Genome position (GRCh38, 1-based): chr12:57,751,097, T>G on the plus strand (A>C on the coding strand, the complement: CDK4 is on the minus strand). VCF-style: chr12-57751097-T-G. GRCh37 (hg19) VCF-style: chr12-58144880-T-G.
Identifiers: ClinVar variation 3016516 (VCV003016516.4), dbSNP rs1182592155, ClinGen allele CA605706292.
Genomic context (GRCh38, chr12:57,751,097, plus strand): 5'-GATGCAATTGGCATGAAGGAAATCTAGGCCTCTTAGAAACTGGCGCATCAGATCCTAGTT[T>G]CAAAGGGGAGGTACAGATGCACTGGAAACTAGGCACCATACCTGAAATCCCAGAAGGTTC-3'